The following is an entry in ClinVar:

NM_001465.6(FYB1):c.589G>A (p.Ala197Thr)

Gene: FYB1 (FYN binding protein 1; minus strand). Cytogenetic location: 5p13.1.
Variant type: single nucleotide variant.
Coding change: c.589G>A on transcript NM_001465.6 (MANE Select); coding-DNA position 589, G replaced by A.
Protein change: p.Ala197Thr; replaces alanine 197 with threonine.
Molecular consequence: missense variant.
Genome position (GRCh38, 1-based): chr5:39,202,372, C>T on the plus strand (G>A on the coding strand, the complement: FYB1 is on the minus strand). VCF-style: chr5-39202372-C-T. GRCh37 (hg19) VCF-style: chr5-39202474-C-T.
Other names: p.Ala197Thr; c.619G>A, p.Ala207Thr (NM_001243093.2, NM_018594.2); c.589G>A, p.Ala197Thr (NM_001349333.2, NM_199335.5); short protein forms A197T, A207T.
Identifiers: ClinVar variation 4541046 (VCV004541046.1).
Genomic context (GRCh38, chr5:39,202,372, plus strand): 5'-TCATGGGGCTTTCGTCTTCATGGGAGTTCTCGGTACTTAGGGGCGGCTTCTGGCCAAAGG[C>T]GGGTTTGGGGAAGAGGGGCTTGGGTTCAAGATCTTGTGATGCTGACATAAATTTCCCTTT-3'
Protein context (NP_001456.3, residues 187-207): LEPKPLFPKP[Ala197Thr]FGQKPPLSTE

ClinVar aggregate classification (germline): Uncertain significance (1 of 4 stars; one submission).

gnomAD v4.1: 16 of 1,613,822 alleles (0.00099%); highest among the groups gnomAD compares: African/African-American, 0.0053%; no homozygotes.

Submission:

Mayo Clinic Laboratories, Mayo Clinic
Classification: Uncertain significance. Last evaluated: 2025-02-06. Review status: criteria provided, single submitter. Criteria: ACMG Guidelines, 2015. Collection method: clinical testing. Allele origin: germline. Observed: 1 variant allele.
Comment: BP4_moderate, PM2_supporting